The following is an entry in ClinVar:

NM_000077.5(CDKN2A):c.307C>T (p.Arg103Trp)

Gene: CDKN2A (cyclin dependent kinase inhibitor 2A; minus strand). Cytogenetic location: 9p21.3.
Variant type: single nucleotide variant.
Coding change: c.307C>T on transcript NM_000077.5; coding-DNA position 307, C replaced by T.
Protein change: p.Arg103Trp; replaces arginine 103 with tryptophan.
Molecular consequence: missense variant (on NM_000077.6). On other transcripts: 3 prime UTR variant (1).
Genome position (GRCh38, 1-based): chr9:21,971,052, G>A on the plus strand (C>T on the coding strand, the complement: CDKN2A is on the minus strand). VCF-style: chr9-21971052-G-A. GRCh37 (hg19) VCF-style: chr9-21971051-G-A.
Other names: c.307C>T, p.Arg103Trp (NM_000077.6, NM_001195132.2); c.154C>T, p.Arg52Trp (NM_001363763.2); c.350C>T, p.Ala117Val (NM_058195.4); c.*230C>T (NM_058197.5); short protein forms A117V, R103W, R52W.
Identifiers: ClinVar variation 423630 (VCV000423630.18), dbSNP rs767642535, ClinGen allele CA5012188.
Genomic context (GRCh38, chr9:21,971,052, plus strand): 5'-GGCCCAGCTCCTCAGCCAGGTCCACGGGCAGACGGCCCCAGGCATCGCGCACGTCCAGCC[G>A]CGCCCCGGCCCGGTGCAGCACCACCAGCGTGTCCAGGAAGCCCTCCCGGGCAGCGTCGTG-3'
Protein context (NP_000068.1, residues 93-113): TLVVLHRAGA[Arg103Trp]LDVRDAWGRL

ClinVar aggregate classification (germline): Uncertain significance. Review status: criteria provided, multiple submitters, no conflicts (2 of 4 stars). 5 submissions from 5 submitters: Uncertain significance (5). Last evaluated 2026-01-26.

Conditions:
Melanoma and neural system tumor syndrome. Also called: MELANOMA-ASTROCYTOMA SYNDROME. Identifiers: Orphanet 252206, MedGen C1835042, MONDO:0007967, OMIM 155755.
Familial melanoma. Also called: Hereditary melanoma; Hereditary cutaneous melanoma. Identifiers: Orphanet 618, MedGen C1512419, MONDO:0018961.
Melanoma, cutaneous malignant, susceptibility to, 2 (CMM2). Also called: Cutaneous malignant melanoma 2; CDKN2A-Related Cutaneous Malignant Melanoma. Identifiers: Orphanet 618, MedGen C1835044, MONDO:0007964, OMIM 155601.
Melanoma-pancreatic cancer syndrome. Identifiers: Orphanet 404560, MedGen C1838547, MONDO:0011713, OMIM 606719. Disease mechanism: loss of function.
Hereditary cancer-predisposing syndrome. Also called: Tumor predisposition; Hereditary Cancer Syndrome; Hereditary neoplastic syndrome; Neoplastic Syndromes, Hereditary. Identifiers: Orphanet 140162, MedGen C0027672, MeSH D009386, MONDO:0015356.

Allele frequency attached by ClinVar (database versions not stated): gnomAD exomes below 0.00001; TOPMed below 0.00001; ExAC 0.00001; gnomAD 0.00001.
gnomAD v4.1: 12 of 1,605,324 alleles (0.00075%); highest among the groups gnomAD compares: South Asian, 0.0022%; no homozygotes.

Submissions (5):

Labcorp Genetics (formerly Invitae), Labcorp
Classification: Uncertain significance for Familial melanoma. Last evaluated: 2026-01-26. Review status: criteria provided, single submitter. Criteria: Invitae Variant Classification Sherloc (09022015). Collection method: clinical testing. Allele origin: germline.
Comment: The CDKN2A gene encodes two different proteins, p16INK4a and p14ARF, which are translated from alternative transcripts with different open reading frames. Both transcripts have been analyzed. We report either the variant with the higher classification or default to the CDKN2A (p16INK4a) variant. This report therefore includes the details for the CDKN2A (p16INK4a) variant. This sequence change replaces arginine, which is basic and polar, with tryptophan, which is neutral and slightly polar, at codon 103 of the CDKN2A (p16INK4a) protein (p.Arg103Trp). The frequency data for this variant in the population databases is considered unreliable, as metrics indicate poor data quality at this position in the gnomAD database. This variant has not been reported in the literature in individuals affected with CDKN2A (p16INK4a)-related conditions. This variant is also known as c.350C>T (p.Ala117Val) in the CDKN2A (p14ARF) transcript. ClinVar contains an entry for this variant (Variation ID: 423630). An algorithm developed to predict the effect of missense changes on protein structure and function (PolyPhen-2) suggests that this variant is likely to be disruptive. Experimental studies have shown that this missense change does not substantially affect CDKN2A (p16INK4a) function (PMID: 12606942). In summary, the available evidence is currently insufficient to determine the role of this variant in disease. Therefore, it has been classified as a Variant of Uncertain Significance.

Ambry Genetics
Classification: Uncertain significance for Hereditary cancer-predisposing syndrome. Last evaluated: 2025-03-05. Review status: criteria provided, single submitter. Criteria: Ambry Variant Classification Scheme 2023. Collection method: clinical testing. Allele origin: germline.
Comment: The p.R103W variant (also known as c.307C>T), located in coding exon 2 of the CDKN2A gene, results from a C to T substitution at nucleotide position 307. The arginine at codon 103 is replaced by tryptophan, an amino acid with dissimilar properties. Of note, this variant is also known as p.A117V (c.350C>T) in the p14(ARF) isoform. This amino acid position is well conserved in available vertebrate species. In addition, the in silico prediction for this alteration is inconclusive. Based on the available evidence, the clinical significance of this variant remains unclear.

Baylor Genetics
Classification: Uncertain significance for Melanoma and neural system tumor syndrome. Last evaluated: 2023-09-28. Review status: criteria provided, single submitter. Criteria: ACMG Guidelines, 2015. Collection method: clinical testing. Allele origin: unknown.

Fulgent Genetics
Classification: Uncertain significance for Melanoma, cutaneous malignant, susceptibility to, 2; Melanoma and neural system tumor syndrome; Melanoma-pancreatic cancer syndrome. Last evaluated: 2022-01-04. Review status: criteria provided, single submitter. Criteria: ACMG Guidelines, 2015. Collection method: clinical testing. Allele origin: unknown.

GeneDx
Classification: Uncertain significance. Last evaluated: 2017-02-14. Review status: criteria provided, single submitter. Criteria: GeneDx Variant Classification (06012015). Collection method: clinical testing. Allele origin: germline. Affected: yes.
Comment: This variant is denoted CDKN2A c.307C>T at the cDNA level, p.Arg103Trp (R103W) at the protein level, and results in the change of an Arginine to a Tryptophan (CGG>TGG). This variant has not, to our knowledge, been published in the literature as pathogenic or benign. CDKN2A Arg103Trp was not observed in approximately 6,500 individuals of European and African American ancestry in the NHLBI Exome Sequencing Project, suggesting it is not a common benign variant in these populations. Since Arginine and Tryptophan differ in polarity, charge, size or other properties, this is considered a non-conservative amino acid substitution. CDKN2A Arg103Trp occurs at a position that is not conserved and is located in the ANK 3 repeat region (UniProt). In silico analyses are inconsistent regarding the effect this variant may have on protein structure and function. Based on currently available evidence, it is unclear whether CDKN2A Arg103Trp is a pathogenic or benign variant. We consider it to be a variant of uncertain significance.

Literature cited by the submitters: PubMed 12606942 (cited by Labcorp Genetics (formerly Invitae), Labcorp).